The following is an entry in ClinVar:

NM_006218.4(PIK3CA):c.2445A>G (p.Gln815=)

Gene: PIK3CA (phosphatidylinositol-4,5-bisphosphate 3-kinase catalytic subunit alpha; plus strand). Cytogenetic location: 3q26.32.
Variant type: single nucleotide variant.
Coding change: c.2445A>G on transcript NM_006218.4 (MANE Select); coding-DNA position 2445, A replaced by G.
Protein change: p.Gln815=; no amino-acid change (glutamine 815 retained).
Molecular consequence: synonymous variant.
Genome position (GRCh38, 1-based): chr3:179,225,990, A>G. VCF-style: chr3-179225990-A-G. GRCh37 (hg19) VCF-style: chr3-178943778-A-G.
Other names: c.2445A>G (NM_006218.3).
Identifiers: ClinVar variation 1400179 (VCV001400179.13), dbSNP rs1400861611, ClinGen allele CA437035945.
Genomic context (GRCh38, chr3:179,225,990, plus strand): 5'-TTAAATGGTGATACATATTATTTGAATTTCAGATTTACGGCAAGATATGCTAACACTTCA[A>G]ATTATTCGTATTATGGAAAATATCTGGCAAAATCAAGGTCTTGATCTTCGGTAGGTAACC-3'
Protein context (NP_006209.2, residues 805-825): DDLRQDMLTL[Gln815=]IIRIMENIWQ

ClinVar aggregate classification (germline): Likely benign. Review status: criteria provided, multiple submitters, no conflicts (2 of 4 stars). 3 submissions from 3 submitters: Likely benign (2). 1 of the submissions does not count toward it. Last evaluated 2024-10-24.

Conditions:
Cowden syndrome (CS). Also called: Cowden's disease; Cowden's syndrome; Cowden disease. Identifiers: Orphanet 201, MedGen C0018553, MONDO:0016063. Disease mechanism: gain of function.
PIK3CA-related disorder. Also called: PIK3CA-related disorders; PIK3CA-related condition; PIK3CA- related disease.
Inborn genetic diseases. Identifiers: MedGen C0950123, MeSH D030342.

Allele frequency attached by ClinVar (database versions not stated): gnomAD exomes 0.00001; gnomAD 0.00002; TOPMed 0.00002.
gnomAD v4.1: 21 of 1,597,798 alleles (0.0013%); highest among the groups gnomAD compares: Admixed American, 0.005%; no homozygotes.

Submissions (3):

Labcorp Genetics (formerly Invitae), Labcorp
Classification: Likely benign for Cowden syndrome. Last evaluated: 2024-10-24. Review status: criteria provided, single submitter. Criteria: Invitae Variant Classification Sherloc (09022015). Collection method: clinical testing. Allele origin: germline.

Ambry Genetics
Classification: Likely benign for Inborn genetic diseases. Last evaluated: 2022-02-21. Review status: criteria provided, single submitter. Criteria: Ambry Variant Classification Scheme 2023. Collection method: clinical testing. Allele origin: germline.

PreventionGenetics, part of Exact Sciences
Classification: Likely benign for PIK3CA-related condition. Last evaluated: 2023-09-12. Review status: no assertion criteria provided. Collection method: clinical testing. Allele origin: germline. Not counted in ClinVar's aggregate classification.
Comment: This variant is classified as likely benign based on ACMG/AMP sequence variant interpretation guidelines (Richards et al. 2015 PMID: 25741868, with internal and published modifications).